The following is an entry in ClinVar:

NM_000057.4(BLM):c.2508G>C (p.Arg836Ser)

Gene: BLM (BLM RecQ like helicase; plus strand). Cytogenetic location: 15q26.1.
Variant type: single nucleotide variant.
Coding change: c.2508G>C on transcript NM_000057.4 (MANE Select); coding-DNA position 2508, G replaced by C.
Protein change: p.Arg836Ser; replaces arginine 836 with serine.
Molecular consequence: missense variant.
Genome position (GRCh38, 1-based): chr15:90,769,539, G>C. VCF-style: chr15-90769539-G-C. GRCh37 (hg19) VCF-style: chr15-91312769-G-C.
Other names: c.2508G>C, p.Arg836Ser (NM_001287246.2, NM_001287247.2); c.1383G>C, p.Arg461Ser (NM_001287248.2); short protein forms R461S, R836S.
Identifiers: ClinVar variation 2586879 (VCV002586879.2), dbSNP rs2151166304, ClinGen allele CA393845467.

ClinVar aggregate classification (germline): Uncertain significance (1 of 4 stars; one submission).

Conditions:
Hereditary cancer-predisposing syndrome. Also called: Hereditary neoplastic syndrome; Tumor predisposition; Hereditary Cancer Syndrome; Neoplastic Syndromes, Hereditary. Identifiers: Orphanet 140162, MedGen C0027672, MeSH D009386, MONDO:0015356.

Submission:

Ambry Genetics
Classification: Uncertain significance for Hereditary cancer-predisposing syndrome. Last evaluated: 2023-07-18. Review status: criteria provided, single submitter. Criteria: Ambry Variant Classification Scheme 2023. Collection method: clinical testing. Allele origin: germline.
Comment: The p.R836S variant (also known as c.2508G>C), located in coding exon 11 of the BLM gene, results from a G to C substitution at nucleotide position 2508. The arginine at codon 836 is replaced by serine, an amino acid with dissimilar properties. This amino acid position is highly conserved in available vertebrate species. In addition, the in silico prediction for this alteration is inconclusive. Since supporting evidence is limited at this time, the clinical significance of this alteration remains unclear.